The following is an entry in ClinVar:

NM_002439.5(MSH3):c.394A>G (p.Lys132Glu)

Gene: MSH3 (mutS homolog 3; plus strand). Cytogenetic location: 5q14.1.
Variant type: single nucleotide variant.
Coding change: c.394A>G on transcript NM_002439.5 (MANE Select); coding-DNA position 394, A replaced by G.
Protein change: p.Lys132Glu; replaces lysine 132 with glutamic acid.
Molecular consequence: missense variant.
Genome position (GRCh38, 1-based): chr5:80,665,178, A>G. VCF-style: chr5-80665178-A-G. GRCh37 (hg19) VCF-style: chr5-79960997-A-G.
Other names: c.394A>G (NM_002439.3); short protein forms K132E.
Identifiers: ClinVar variation 1914216 (VCV001914216.7), dbSNP rs2546717369, ClinGen allele CA360263106.

ClinVar aggregate classification (germline): Uncertain significance. Review status: criteria provided, multiple submitters, no conflicts (2 of 4 stars). 2 submissions from 2 submitters: Uncertain significance (2). Last evaluated 2023-04-06.

Conditions:
Hereditary cancer-predisposing syndrome. Also called: Neoplastic Syndromes, Hereditary; Hereditary Cancer Syndrome; Tumor predisposition; Hereditary neoplastic syndrome. Identifiers: Orphanet 140162, MedGen C0027672, MeSH D009386, MONDO:0015356.

Submissions (2):

Ambry Genetics
Classification: Uncertain significance for Hereditary cancer-predisposing syndrome. Last evaluated: 2023-04-06. Review status: criteria provided, single submitter. Criteria: Ambry Variant Classification Scheme 2023. Collection method: clinical testing. Allele origin: germline.
Comment: The p.K132E variant (also known as c.394A>G), located in coding exon 3 of the MSH3 gene, results from an A to G substitution at nucleotide position 394. The lysine at codon 132 is replaced by glutamic acid, an amino acid with similar properties. This amino acid position is conserved. In addition, this alteration is predicted to be tolerated by in silico analysis. Since supporting evidence is limited at this time, the clinical significance of this alteration remains unclear.

Labcorp Genetics (formerly Invitae), Labcorp
Classification: Uncertain significance. Last evaluated: 2022-05-09. Review status: criteria provided, single submitter. Criteria: Invitae Variant Classification Sherloc (09022015). Collection method: clinical testing. Allele origin: germline.
Comment: This variant is not present in population databases (gnomAD no frequency). Algorithms developed to predict the effect of missense changes on protein structure and function (SIFT, PolyPhen-2, Align-GVGD) all suggest that this variant is likely to be tolerated. This variant has not been reported in the literature in individuals affected with MSH3-related conditions. This sequence change replaces lysine, which is basic and polar, with glutamic acid, which is acidic and polar, at codon 132 of the MSH3 protein (p.Lys132Glu). In summary, the available evidence is currently insufficient to determine the role of this variant in disease. Therefore, it has been classified as a Variant of Uncertain Significance.